The following is an entry in ClinVar:

NM_173354.5(SIK1):c.287A>G (p.Lys96Arg)

Gene: SIK1 (salt inducible kinase 1; minus strand). Cytogenetic location: 21q22.3.
Variant type: single nucleotide variant.
Coding change: c.287A>G on transcript NM_173354.5 (MANE Select); coding-DNA position 287, A replaced by G.
Protein change: p.Lys96Arg; replaces lysine 96 with arginine.
Molecular consequence: missense variant.
Genome position (GRCh38, 1-based): chr21:43,422,024, T>C on the plus strand (A>G on the coding strand, the complement: SIK1 is on the minus strand). VCF-style: chr21-43422024-T-C. GRCh37 (hg19) VCF-style: chr21-44841904-T-C.
Other names: short protein forms K96R.
Identifiers: ClinVar variation 4719126 (VCV004719126.1).

ClinVar aggregate classification (germline): Uncertain significance (1 of 4 stars; one submission).

Conditions:
Developmental and epileptic encephalopathy, 30 (DEE30). Also called: Epileptic encephalopathy, early infantile, 30. Identifiers: MedGen C4225360, MONDO:0014595, OMIM 616341.

Submission:

Labcorp Genetics (formerly Invitae), Labcorp
Classification: Uncertain significance for Developmental and epileptic encephalopathy, 30. Last evaluated: 2025-05-18. Review status: criteria provided, single submitter. Criteria: Invitae Variant Classification Sherloc (09022015). Collection method: clinical testing. Allele origin: germline.
Comment: This sequence change replaces lysine, which is basic and polar, with arginine, which is basic and polar, at codon 96 of the SIK1 protein (p.Lys96Arg). This variant is not present in population databases (gnomAD no frequency). This variant has not been reported in the literature in individuals affected with SIK1-related conditions. An algorithm developed to predict the effect of missense changes on protein structure and function (PolyPhen-2) suggests that this variant is likely to be disruptive. In summary, the available evidence is currently insufficient to determine the role of this variant in disease. Therefore, it has been classified as a Variant of Uncertain Significance.